The following is an entry in ClinVar:

ClinVar aggregate classification (germline): Uncertain significance (1 of 4 stars; one submission).

Conditions:
Hereditary cancer-predisposing syndrome. Also called: Neoplastic Syndromes, Hereditary; Tumor predisposition; Hereditary Cancer Syndrome; Hereditary neoplastic syndrome. Identifiers: Orphanet 140162, MedGen C0027672, MeSH D009386, MONDO:0015356.
Cardiovascular phenotype. Identifiers: MedGen CN230736.

Submission:

Ambry Genetics
Classification: Uncertain significance for Cardiovascular phenotype; Hereditary cancer-predisposing syndrome. Last evaluated: 2025-06-27. Review status: criteria provided, single submitter. Criteria: Ambry Variant Classification Scheme 2023. Collection method: clinical testing. Allele origin: germline.
Comment: The p.T2454K variant (also known as c.7361C>A), located in coding exon 49 of the NF1 gene, results from a C to A substitution at nucleotide position 7361. The threonine at codon 2454 is replaced by lysine, an amino acid with similar properties. This amino acid position is well conserved in available vertebrate species. In addition, the in silico prediction for this alteration is inconclusive. Since supporting evidence is limited at this time, the clinical significance of this alteration remains unclear.

NM_001042492.3(NF1):c.7424C>A (p.Thr2475Lys)

Gene: NF1 (neurofibromin 1; plus strand). Cytogenetic location: 17q11.2.
Variant type: single nucleotide variant.
Coding change: c.7424C>A on transcript NM_001042492.3 (MANE Select); coding-DNA position 7424, C replaced by A.
Protein change: p.Thr2475Lys; replaces threonine 2475 with lysine.
Molecular consequence: missense variant.
Genome position (GRCh38, 1-based): chr17:31,350,285, C>A. VCF-style: chr17-31350285-C-A. GRCh37 (hg19) VCF-style: chr17-29677303-C-A.
Other names: c.7361C>A, p.Thr2454Lys (NM_000267.4); short protein forms T2454K, T2475K.
Identifiers: ClinVar variation 1758517 (VCV001758517.3), dbSNP rs770532573, ClinGen allele CA399017162.